The following is an entry in ClinVar:

NM_000256.3(MYBPC3):c.1397T>A (p.Met466Lys)

Gene: MYBPC3 (myosin binding protein C3; minus strand). Cytogenetic location: 11p11.2.
Variant type: single nucleotide variant.
Coding change: c.1397T>A on transcript NM_000256.3 (MANE Select); coding-DNA position 1397, T replaced by A.
Protein change: p.Met466Lys; replaces methionine 466 with lysine.
Molecular consequence: missense variant.
Genome position (GRCh38, 1-based): chr11:47,342,890, A>T on the plus strand (T>A on the coding strand, the complement: MYBPC3 is on the minus strand). VCF-style: chr11-47342890-A-T. GRCh37 (hg19) VCF-style: chr11-47364441-A-T.
Other names: p.M466K:ATG>AAG; short protein forms M466K.
Identifiers: ClinVar variation 42528 (VCV000042528.22), dbSNP rs397515899, ClinGen allele CA010241.

ClinVar aggregate classification (germline): Uncertain significance. Review status: criteria provided, multiple submitters, no conflicts (2 of 4 stars). 7 submissions from 7 submitters: Uncertain significance (6). 1 of the submissions does not count toward it. Last evaluated 2025-10-02.

Conditions:
Cardiovascular phenotype. Identifiers: MedGen CN230736.
Left ventricular noncompaction 10 (LVNC10). Identifiers: Orphanet 154, Orphanet 54260, MedGen C3715165, MONDO:0014163, OMIM 615396.
Hypertrophic cardiomyopathy. Also called: HYPERTROPHIC MYOCARDIOPATHY. Identifiers: Orphanet 217569, MedGen C0007194, MeSH D002312, MONDO:0005045, HP:0001639.

Allele frequency attached by ClinVar (database versions not stated): TOPMed below 0.00001; ExAC 0.00001; gnomAD 0.00001; gnomAD exomes 0.00001 and 0.00002.
gnomAD v4.1: 23 of 1,612,692 alleles (0.0014%); highest among the groups gnomAD compares: Non-Finnish European, 0.0019%; no homozygotes.

Submissions (7):

Labcorp Genetics (formerly Invitae), Labcorp
Classification: Uncertain significance for Hypertrophic cardiomyopathy. Last evaluated: 2025-10-02. Review status: criteria provided, single submitter. Criteria: Invitae Variant Classification Sherloc (09022015). Collection method: clinical testing. Allele origin: germline.
Comment: This sequence change replaces methionine, which is neutral and non-polar, with lysine, which is basic and polar, at codon 466 of the MYBPC3 protein (p.Met466Lys). This variant is present in population databases (rs397515899, gnomAD 0.003%). This missense change has been observed in individual(s) with hypertrophic cardiomyopathy (PMID: 27532257, 37652022). ClinVar contains an entry for this variant (Variation ID: 42528). An algorithm developed to predict the effect of missense changes on protein structure and function (PolyPhen-2) suggests that this variant is likely to be tolerated. In summary, the available evidence is currently insufficient to determine the role of this variant in disease. Therefore, it has been classified as a Variant of Uncertain Significance.

Molecular Diagnostic Laboratory for Inherited Cardiovascular Disease, Montreal Heart Institute
Classification: Uncertain significance for Cardiovascular phenotype. Last evaluated: 2025-07-24. Review status: criteria provided, single submitter. Criteria: ACMG Guidelines, 2015. Collection method: clinical testing. Allele origin: germline. Affected: yes.
Comment: PM2

Blueprint Genetics
Classification: Uncertain significance. Last evaluated: 2024-03-07. Review status: criteria provided, single submitter. Criteria: ACMG Guidelines, 2015. Collection method: clinical testing. Allele origin: germline.

All of Us Research Program, National Institutes of Health
Classification: Uncertain significance for Hypertrophic cardiomyopathy. Last evaluated: 2023-12-18. Review status: criteria provided, single submitter. Criteria: ACMG Guidelines, 2015. Collection method: clinical testing. Allele origin: germline. Inheritance: Autosomal dominant inheritance. Observed: 4 variant alleles, 4 heterozygotes.
Comment: This missense variant replaces methionine with lysine at codon 466 of the MYBPC3 protein. Computational prediction suggests that this variant may not impact protein structure and function (internally defined REVEL score threshold <= 0.5, PMID: 27666373). To our knowledge, functional studies have not been reported for this variant. This variant has been reported in at least 1 individual affected with hypertrophic cardiomyopathy (PMID: 27532257). This variant has been identified in 3/246966 chromosomes in the general population by the Genome Aggregation Database (gnomAD). The available evidence is insufficient to determine the role of this variant in disease conclusively. Therefore, this variant is classified as a Variant of Uncertain Significance.

This study involves interpretation of variants in research participants for the purpose of population health screening. Participant phenotype was not available at the time of variant classification. Additional details can be found in publication PMID: 35346344, PMCID: PMC8962531

Illumina Laboratory Services, Illumina
Classification: Uncertain significance for Left ventricular noncompaction 10. Last evaluated: 2021-04-06. Review status: criteria provided, single submitter. Criteria: ICSLVariantClassificationCriteria RUGD 01 April 2020. Collection method: clinical testing. Allele origin: unknown.
Comment: The MYBPC3 c.1397T>A (p.Met466Lys) variant is a missense variant that has not been reported in the literature in association with left ventricular noncompaction cardiomyopathy, but was identified in one study in one individual with hypertrophic cardiomyopathy (Walsh et al. 2017). The p.Met466Lys variant is reported at a frequency of 0.000027 in the European (non-Finnish) population of the Genome Aggregation Database (version 2.1.1). Based on the limited evidence, the p.Met466Lys variant is classified as a variant of uncertain significance for left ventricular noncompaction cardiomyopathy.

GeneDx
Classification: Uncertain significance. Last evaluated: 2013-03-19. Review status: criteria provided, single submitter. Criteria: GeneDx Variant Classification (06012015). Collection method: clinical testing. Allele origin: germline. Affected: yes.
Comment: p.Met466Lys (ATG>AAG): c.1397 T>A in exon 16 of the MYBPC3 gene (NM_000256.3)The Met466Lys variant in the MYBPC3 gene has not been reported as a disease-causing mutation or as a benign polymorphism to our knowledge. Met466Lys results in a non-conservative amino acid substitution of a non-polar Methionine with a positively charged Lysine at a position that is not well conserved across species. Mutations in nearby codons (Arg458His, Arg470Gln, Arg470Trp) have been reported in association with HCM, supporting the functional importance of this region of the protein. Also, the Met466Lys variant was not observed in approximately 6,000 individuals of European and African American ancestry in the NHLBI Exome Sequencing Project, indicating it is not a common benign variant in these populations.With the clinical and molecular information available at this time, we cannot definitively determine if Met466Lys is a disease-causing mutation or a rare benign variant. Mutations in the MYBPC3 gene have been reported in 20%-30% of patients with autosomal dominant familial hypertrophic cardiomyopathy, and have been reported less frequently in patients with autosomal dominant familial dilated cardiomyopathy (Cirino A et al., 2011; Hershberger R et al., 2009). The variant is found in HCM panel(s).

Laboratory for Molecular Medicine, Mass General Brigham Personalized Medicine
Classification: Uncertain significance. Last evaluated: 2009-04-18. Review status: no assertion criteria provided. Collection method: clinical testing. Allele origin: germline. Observed: 1 variant allele. Not counted in ClinVar's aggregate classification.

Literature cited by the submitters: PubMed 27532257 (cited by 3 submitters); PubMed 37652022 (cited by Labcorp Genetics (formerly Invitae), Labcorp).